The following is an entry in ClinVar:

NM_000310.4(PPT1):c.490C>T (p.Arg164Ter)

Gene: PPT1 (palmitoyl-protein thioesterase 1; minus strand). Cytogenetic location: 1p34.2.
Variant type: single nucleotide variant.
Coding change: c.490C>T on transcript NM_000310.4 (MANE Select); coding-DNA position 490, C replaced by T.
Protein change: p.Arg164Ter; replaces arginine 164 with a stop codon.
Molecular consequence: nonsense.
Genome position (GRCh38, 1-based): chr1:40,089,456, G>A on the plus strand (C>T on the coding strand, the complement: PPT1 is on the minus strand). VCF-style: chr1-40089456-G-A. GRCh37 (hg19) VCF-style: chr1-40555128-G-A.
Other names: NM_000310.4(PPT1):c.490C>T; p.Arg164Ter; c.181C>T, p.Arg61Ter (NM_001142604.2); c.490C>T, p.Arg164Ter (NM_001363695.2); short protein forms R164*, R61*.
Identifiers: ClinVar variation 56197 (VCV000056197.17), dbSNP rs386833649, ClinGen allele CA263513.

ClinVar aggregate classification (germline): Pathogenic. Review status: criteria provided, multiple submitters, no conflicts (2 of 4 stars). 8 submissions from 8 submitters: Pathogenic (6). 2 of the submissions do not count toward it. Last evaluated 2025-09-23.

Conditions:
Neuronal ceroid lipofuscinosis 1 (CLN1). Also called: CEROID LIPOFUSCINOSIS, NEURONAL, 1, VARIABLE AGE AT ONSET; PPT1-Related Neuronal Ceroid-Lipofuscinosis. Identifiers: Orphanet 228329, MedGen C1850451, MONDO:0009744, OMIM 256730.

Allele frequency attached by ClinVar (database versions not stated): gnomAD exomes 0.00001; TOPMed 0.00001; ExAC 0.00002.
gnomAD v4.1: 12 of 1,613,950 alleles (0.00074%); highest among the groups gnomAD compares: East Asian, 0.011%; no homozygotes.

Submissions (8):

Labcorp Genetics (formerly Invitae), Labcorp
Classification: Pathogenic for Neuronal ceroid lipofuscinosis 1. Last evaluated: 2025-09-23. Review status: criteria provided, single submitter. Criteria: Invitae Variant Classification Sherloc (09022015). Collection method: clinical testing. Allele origin: germline.
Comment: This sequence change creates a premature translational stop signal (p.Arg164*) in the PPT1 gene. It is expected to result in an absent or disrupted protein product. Loss-of-function variants in PPT1 are known to be pathogenic (PMID: 10679943, 21990111). This variant is present in population databases (rs386833649, gnomAD 0.006%). This premature translational stop signal has been observed in individuals with neuronal ceroid lipofuscinosis (PMID: 9664077, 10649502). ClinVar contains an entry for this variant (Variation ID: 56197). Algorithms developed to predict the effect of sequence changes on RNA splicing suggest that this variant may disrupt the consensus splice site. For these reasons, this variant has been classified as Pathogenic.

Natera, Inc.
Classification: Pathogenic for Neuronal ceroid lipofuscinosis 1. Last evaluated: 2024-07-26. Review status: criteria provided, single submitter. Criteria: Natera Variant Classification Schema (03/2026). Collection method: clinical testing. Allele origin: germline.
Comment: The c.490C>T variant in PPT1 is a nonsense variant predicted to introduce a stop codon at amino acid 164. This variant is expected to result in nonsense mediated decay, truncation, or a dysfunctional protein product. This variant is rare in the general population with a frequency below the threshold expected for the associated phenotype(s). This variant has been observed in one or more individuals affected with the associated recessive disease, as either homozygous or compound heterozygous with a second variant (PMID: 9664077, 31741823). Given the available evidence, this variant is classified as Pathogenic.

Baylor Genetics
Classification: Pathogenic for Neuronal ceroid lipofuscinosis 1. Last evaluated: 2023-10-05. Review status: criteria provided, single submitter. Criteria: ACMG Guidelines, 2015. Collection method: clinical testing. Allele origin: unknown.

GeneDx
Classification: Pathogenic. Last evaluated: 2023-08-15. Review status: criteria provided, single submitter. Criteria: GeneDx Variant Classification Process June 2021. Collection method: clinical testing. Allele origin: germline. Affected: yes.
Comment: Nonsense variant predicted to result in protein truncation or nonsense mediated decay in a gene for which loss of function is a known mechanism of disease; Not observed at significant frequency in large population cohorts (gnomAD); This variant is associated with the following publications: (PMID: 25525159, 28367323, 21990111, 21704547, 24997880, 10649502, 31741823, 9664077)

Broad Center for Mendelian Genomics, Broad Institute of MIT and Harvard
Classification: Pathogenic for Neuronal ceroid lipofuscinosis 1. Last evaluated: 2023-01-25. Review status: criteria provided, single submitter. Criteria: ACMG Guidelines, 2015. Collection method: curation. Allele origin: germline. Inheritance: Autosomal recessive inheritance.
Comment: The homozygous p.Arg164Ter variant in PPT1 was identified by our study in two siblings with neuronal ceroid lipofuscinosis. The p.Arg164Ter variant in PPT1 has been previously reported in four unrelated individuals with neuronal ceroid lipofuscinosis 1 (PMID: 31741823, PMID: 21990111, PMID: 10649502, PMID: 9664077), but has been identified in 0.005% (1/18394) of East Asian chromosomes by the Genome Aggregation Database (gnomAD; dbSNP ID: rs386833649). Although this variant has been seen in the general population in a heterozygous state, its frequency is low enough to be consistent with a recessive carrier frequency. Of the four affected individuals previously reported (PMID: 31741823, PMID: 21990111, PMID: 10649502, PMID: 9664077), three were compound heterozygotes who carried pathogenic or likely pathogenic variants in trans (PMID: 31741823, PMID: 21990111, PMID: 9664077, ClinVar Variation ID: 8904), and one was a compound heterozygote who carried a variant of uncertain significance in trans (PMID: 10649502, ClinVar Variation ID: 56217), and the affected siblings identified by our study were homozygotes, which increases the likelihood that the p.Arg164Ter variant is pathogenic. This variant has also been reported in ClinVar (Variation ID: 56197) and has been interpreted as pathogenic by Invitae and the Shahid Beheshti University of Medical Sciences Genomic Research Center and as likely pathogenic by Counsyl. This nonsense variant leads to a premature termination codon at position 164, which is predicted to lead to a truncated or absent protein. Loss of function of the PPT1 gene is an established mechanism of autosomal recessive neuronal ceroid lipofuscinosis 1. In summary, this variant meets criteria to be classified as pathogenic for autosomal recessive neuronal ceroid lipofuscinosis 1. ACMG/AMP Criteria applied: PVS1, PM2_Supporting, PM3_Strong (Richards 2015).

Genomic Research Center, Shahid Beheshti University of Medical Sciences
Classification: Pathogenic for Neuronal ceroid lipofuscinosis 1. Last evaluated: 2017-12-18. Review status: criteria provided, single submitter. Criteria: ACMG Guidelines, 2015. Collection method: clinical testing. Allele origin: inherited. Affected: yes.

Counsyl
Classification: Likely pathogenic for Ceroid lipofuscinosis neuronal 1. Last evaluated: 2014-08-26. Review status: no assertion criteria provided. Collection method: literature only. Allele origin: unknown. Inheritance: Autosomal recessive inheritance. Not counted in ClinVar's aggregate classification.

Juha Muilu Group; Institute for Molecular Medicine Finland (FIMM)
Classification: Likely pathogenic for Ceroid lipofuscinosis neuronal 1. Review status: no assertion criteria provided. Collection method: not provided. Allele origin: unknown. Not counted in ClinVar's aggregate classification.
Comment: FinDis database variant: This variant was not found or characterized by our laboratory, data were collected from public sources: see reference
ClinVar note: Converted during submission from probable-pathogenic to Likely pathogenic.

Literature cited by the submitters: PubMed 10679943 (cited by Labcorp Genetics (formerly Invitae), Labcorp); PubMed 21990111 (cited by Labcorp Genetics (formerly Invitae), Labcorp and Counsyl); PubMed 9664077 (cited by 3 submitters); PubMed 10649502 (cited by Labcorp Genetics (formerly Invitae), Labcorp and Counsyl); PubMed 31741823 (cited by Natera, Inc.); PubMed 11073228 (cited by Counsyl).